The following is an entry in ClinVar:

NC_000002.12:g.(?_47783234)_(47808387_?)dup

Genes: FBXO11 (F-box protein 11; minus strand), MSH6 (mutS homolog 6; plus strand). Cytogenetic location: 2p16.3.
Variant type: Duplication.
Identifiers: ClinVar variation 831541 (VCV000831541.2).

ClinVar aggregate classification (germline): Uncertain significance (1 of 4 stars; one submission).

Conditions:
Hereditary nonpolyposis colorectal neoplasms. Identifiers: MedGen C0009405, MeSH D003123.

Submission:

Labcorp Genetics (formerly Invitae), Labcorp
Classification: Uncertain significance for Hereditary nonpolyposis colorectal neoplasms. Last evaluated: 2022-10-08. Review status: criteria provided, single submitter. Criteria: Invitae Variant Classification Sherloc (09022015). Collection method: clinical testing. Allele origin: germline.
Comment: A copy number gain of the genomic region encompassing the full coding sequence of the MSH6 gene has been identified. The boundaries of this event are unknown as they extend beyond the assayed region for this gene and therefore may encompass additional genes. As the precise location of this event is unknown, it may be in tandem or it may be located elsewhere in the genome. This variant has not been reported in the literature in individuals affected with MSH6-related conditions. Experimental studies and prediction algorithms are not available or were not evaluated, and the functional significance of this variant is currently unknown. In summary, the available evidence is currently insufficient to determine the role of this variant in disease. Therefore, it has been classified as a Variant of Uncertain Significance.